The following is an entry in ClinVar:

NM_007055.4(POLR3A):c.3067A>C (p.Met1023Leu)

Gene: POLR3A (RNA polymerase III subunit A; minus strand). Cytogenetic location: 10q22.3.
Variant type: single nucleotide variant.
Coding change: c.3067A>C on transcript NM_007055.4 (MANE Select); coding-DNA position 3067, A replaced by C.
Protein change: p.Met1023Leu; replaces methionine 1023 with leucine.
Molecular consequence: missense variant.
Genome position (GRCh38, 1-based): chr10:77,985,907, T>G on the plus strand (A>C on the coding strand, the complement: POLR3A is on the minus strand). VCF-style: chr10-77985907-T-G. GRCh37 (hg19) VCF-style: chr10-79745665-T-G.
Other names: p.Met1023Leu; short protein forms M1023L.
Identifiers: ClinVar variation 2683113 (VCV002683113.1), dbSNP rs2493190552, ClinGen allele CA377331533.

ClinVar aggregate classification (germline): Uncertain significance (1 of 4 stars; one submission).

Allele frequency attached by ClinVar (database versions not stated): gnomAD exomes below 0.00001.

Submission:

Mayo Clinic Laboratories, Mayo Clinic
Classification: Uncertain significance. Last evaluated: 2023-05-26. Review status: criteria provided, single submitter. Criteria: ACMG Guidelines, 2015. Collection method: clinical testing. Allele origin: germline. Observed: 1 variant allele.
Comment: PM2